The following is an entry in ClinVar:

ClinVar aggregate classification (germline): Likely pathogenic (1 of 4 stars; one submission).

Conditions:
Charcot-Marie-Tooth disease type 2. Also called: Charcot-Marie-Tooth type 2. Identifiers: Orphanet 64746, MedGen C0270914, MONDO:0018993.

Submission:

Labcorp Genetics (formerly Invitae), Labcorp
Classification: Likely pathogenic for Charcot-Marie-Tooth disease type 2. Last evaluated: 2019-07-03. Review status: criteria provided, single submitter. Criteria: Invitae Variant Classification Sherloc (09022015). Collection method: clinical testing. Allele origin: germline.
Comment: This evidence indicates that the variant is pathogenic, but additional data is needed to prove that conclusively. Therefore, this variant has been classified as Likely Pathogenic. Algorithms developed to predict the effect of missense changes on protein structure and function (SIFT, PolyPhen-2, Align-GVGD) all suggest that this variant is likely to be disruptive, but these predictions have not been confirmed by published functional studies. This variant is not present in population databases (ExAC no frequency) and has not been reported in the literature in individuals with a GARS-related disease. This sequence change replaces glutamic acid with lysine at codon 569 of the GARS protein (p.Glu569Lys). The glutamic acid residue is highly conserved and there is a small physicochemical difference between glutamic acid and lysine.

NM_002047.4(GARS1):c.1705G>A (p.Glu569Lys)

Gene: GARS1 (glycyl-tRNA synthetase 1; plus strand). Cytogenetic location: 7p14.3.
Variant type: single nucleotide variant.
Coding change: c.1705G>A on transcript NM_002047.4 (MANE Select); coding-DNA position 1705, G replaced by A.
Protein change: p.Glu569Lys; replaces glutamic acid 569 with lysine.
Molecular consequence: missense variant.
Genome position (GRCh38, 1-based): chr7:30,628,565, G>A. VCF-style: chr7-30628565-G-A. GRCh37 (hg19) VCF-style: chr7-30668181-G-A.
Other names: c.1705G>A (LRG_243t1); c.1543G>A, p.Glu515Lys (NM_001316772.1); short protein forms E569K, E515K.
Identifiers: ClinVar variation 410315 (VCV000410315.9), dbSNP rs1060502839, ClinGen allele CA16612353.
Genomic context (GRCh38, chr7:30,628,565, plus strand): 5'-AAATGCATTATGTGGTATTTGAGAGAATGTTATTGAATTTCTATCTCTTTTTCAGTGGAA[G>A]AAGTTGTTCCGAATGTAATTGAACCTTCCTTCGGCCTGGGTAGGATCATGTATACGGTAT-3'
Protein context (NP_002038.2, residues 559-579): KRFQKTLYVE[Glu569Lys]VVPNVIEPSF